The following is an entry in ClinVar:

NM_001018005.2(TPM1):c.511A>C (p.Ile171Leu)

Gene: TPM1 (tropomyosin 1; plus strand). Cytogenetic location: 15q22.2.
Variant type: single nucleotide variant.
Coding change: c.511A>C on transcript NM_001018005.2 (MANE Select); coding-DNA position 511, A replaced by C.
Protein change: p.Ile171Leu; replaces isoleucine 171 with leucine.
Molecular consequence: missense variant.
Genome position (GRCh38, 1-based): chr15:63,060,887, A>C. VCF-style: chr15-63060887-A-C. GRCh37 (hg19) VCF-style: chr15-63353086-A-C.
Other names: c.511A>C, p.Ile171Leu (NM_000366.6, NM_001018004.2, NM_001018006.2 and 6 more transcripts); c.403A>C, p.Ile135Leu (NM_001018008.2, NM_001301289.2, NM_001330344.2 and 5 more transcripts); c.637A>C, p.Ile213Leu (NM_001365778.1); short protein forms I171L, I135L, I213L.
Identifiers: ClinVar variation 220848 (VCV000220848.10), dbSNP rs774903903, ClinGen allele CA348191.

ClinVar aggregate classification (germline): Uncertain significance (1 of 4 stars; one submission).

Conditions:
Hypertrophic cardiomyopathy. Also called: HYPERTROPHIC MYOCARDIOPATHY. Identifiers: Orphanet 217569, MedGen C0007194, MeSH D002312, MONDO:0005045, HP:0001639.

Submission:

Labcorp Genetics (formerly Invitae), Labcorp
Classification: Uncertain significance for Hypertrophic cardiomyopathy. Last evaluated: 2019-10-21. Review status: criteria provided, single submitter. Criteria: Invitae Variant Classification Sherloc (09022015). Collection method: clinical testing. Allele origin: germline.
Comment: Algorithms developed to predict the effect of missense changes on protein structure and function are either unavailable or do not agree on the potential impact of this missense change (SIFT: "Deleterious"; PolyPhen-2: "Probably Damaging"; Align-GVGD: "Class C0"). In summary, the available evidence is currently insufficient to determine the role of this variant in disease. Therefore, it has been classified as a Variant of Uncertain Significance. This sequence change replaces isoleucine with leucine at codon 171 of the TPM1 protein (p.Ile171Leu). The isoleucine residue is highly conserved and there is a small physicochemical difference between isoleucine and leucine. This variant is not present in population databases (ExAC no frequency). This variant has not been reported in the literature in individuals with TPM1-related conditions. ClinVar contains an entry for this variant (Variation ID: 220848).